The following is an entry in ClinVar:

ClinVar aggregate classification (germline): Uncertain significance (1 of 4 stars; one submission).

Allele frequency attached by ClinVar (database versions not stated): gnomAD exomes below 0.00001.
gnomAD v4.1: 1 of 1,612,692 alleles (0.000062%); highest among the groups gnomAD compares: Non-Finnish European, 0.000085%; no homozygotes.

Submission:

Labcorp Genetics (formerly Invitae), Labcorp
Classification: Uncertain significance. Last evaluated: 2022-01-27. Review status: criteria provided, single submitter. Criteria: Invitae Variant Classification Sherloc (09022015). Collection method: clinical testing. Allele origin: germline.
Comment: In summary, the available evidence is currently insufficient to determine the role of this variant in disease. Therefore, it has been classified as a Variant of Uncertain Significance. Algorithms developed to predict the effect of missense changes on protein structure and function (SIFT, PolyPhen-2, Align-GVGD) all suggest that this variant is likely to be tolerated. This variant has not been reported in the literature in individuals affected with DMXL2-related conditions. This variant is not present in population databases (gnomAD no frequency). This sequence change replaces histidine, which is basic and polar, with tyrosine, which is neutral and polar, at codon 2416 of the DMXL2 protein (p.His2416Tyr).

NM_001378457.1(DMXL2):c.7246C>T (p.His2416Tyr)

Gene: DMXL2 (Dmx like 2; minus strand). Cytogenetic location: 15q21.2.
Variant type: single nucleotide variant.
Coding change: c.7246C>T on transcript NM_001378457.1 (MANE Select); coding-DNA position 7246, C replaced by T.
Protein change: p.His2416Tyr; replaces histidine 2416 with tyrosine.
Molecular consequence: missense variant. On other transcripts: non-coding transcript variant (2).
Genome position (GRCh38, 1-based): chr15:51,471,369, G>A on the plus strand (C>T on the coding strand, the complement: DMXL2 is on the minus strand). VCF-style: chr15-51471369-G-A. GRCh37 (hg19) VCF-style: chr15-51763566-G-A.
Other names: c.7246C>T, p.His2416Tyr (NM_001174116.3, NM_001378459.1, NM_001378461.1 and 1 more transcripts); c.5335C>T, p.His1779Tyr (NM_001174117.3); c.7243C>T, p.His2415Tyr (NM_001378458.1, NM_001378462.1, NM_015263.5); c.5224C>T, p.His1742Tyr (NM_001378460.1); c.7003C>T, p.His2335Tyr (NM_001378464.1); short protein forms H1742Y, H2416Y, H2415Y, H1779Y, H2335Y.
Identifiers: ClinVar variation 1481170 (VCV001481170.6), dbSNP rs2140308932, ClinGen allele CA392440582.